The following is an entry in ClinVar:

NM_005562.3(LAMC2):c.3296_3297del (p.Leu1099fs)

Gene: LAMC2 (laminin subunit gamma 2; plus strand). Cytogenetic location: 1q25.3.
Variant type: Deletion.
Coding change: c.3296_3297del on transcript NM_005562.3 (MANE Select); coding-DNA positions 3296 to 3297, 2 bases deleted (TC; older notation c.3296_3297delTC).
Protein change: p.Leu1099fs; shifts the reading frame from leucine 1099.
Molecular consequence: frameshift variant.
Genome position (GRCh38, 1-based): chr1:183,240,359-183,240,360, TC deleted; deleting any 2 consecutive bases within chr1:183,240,358-183,240,360 gives the same sequence; the c. name uses the placement nearest the transcript's 3' end. VCF-style (leftmost placement, unchanged base first): chr1-183240357-ACT-A. GRCh37 (hg19) VCF-style: chr1-183209492-ACT-A.
Other names: c.3296_3297del, p.Leu1099fs (NM_018891.3); short protein forms L1099fs.
Identifiers: ClinVar variation 1394167 (VCV001394167.6), dbSNP rs2102253629, ClinGen allele CA2573130629.

ClinVar aggregate classification (germline): Pathogenic (1 of 4 stars; one submission).

Submission:

Labcorp Genetics (formerly Invitae), Labcorp
Classification: Pathogenic. Last evaluated: 2022-08-28. Review status: criteria provided, single submitter. Criteria: Invitae Variant Classification Sherloc (09022015). Collection method: clinical testing. Allele origin: germline.
Comment: This variant is not present in population databases (gnomAD no frequency). This sequence change creates a premature translational stop signal (p.Leu1099Glnfs*18) in the LAMC2 gene. While this is not anticipated to result in nonsense mediated decay, it is expected to disrupt the last 95 amino acid(s) of the LAMC2 protein. This variant has not been reported in the literature in individuals affected with LAMC2-related conditions. ClinVar contains an entry for this variant (Variation ID: 1394167). This variant disrupts a region of the LAMC2 protein in which other variant(s) (p.Thr1132Asnfs*38) have been determined to be pathogenic (PMID: 11564184). This suggests that this is a clinically significant region of the protein, and that variants that disrupt it are likely to be disease-causing. For these reasons, this variant has been classified as Pathogenic.

Literature cited by the submitters: PubMed 11564184.